The following is an entry in ClinVar:

NM_003000.3(SDHB):c.536A>T (p.Lys179Ile)

Gene: SDHB (succinate dehydrogenase complex iron sulfur subunit B; minus strand). Cytogenetic location: 1p36.13.
Variant type: single nucleotide variant.
Coding change: c.536A>T on transcript NM_003000.3 (MANE Select); coding-DNA position 536, A replaced by T.
Protein change: p.Lys179Ile; replaces lysine 179 with isoleucine.
Molecular consequence: missense variant.
Genome position (GRCh38, 1-based): chr1:17,027,753, T>A on the plus strand (A>T on the coding strand, the complement: SDHB is on the minus strand). VCF-style: chr1-17027753-T-A. GRCh37 (hg19) VCF-style: chr1-17354248-T-A.
Other names: short protein forms K179I.
Identifiers: ClinVar variation 459154 (VCV000459154.5), dbSNP rs1553177670, ClinGen allele CA338272421.

ClinVar aggregate classification (germline): Uncertain significance (1 of 4 stars; one submission).

Conditions:
Pheochromocytoma. Also called: MAX-Related Hereditary Paraganglioma-Pheochromocytoma Syndrome. Identifiers: Orphanet 29072, MedGen C0031511, MONDO:0008233, OMIM 171300, HP:0002666.
Pheochromocytoma/paraganglioma syndrome 4. Also called: SDHB-Related Hereditary Paraganglioma-Pheochromocytoma Syndrome (Paragangliomas 4); CAROTID BODY TUMORS AND MULTIPLE EXTRAADRENAL PHEOCHROMOCYTOMAS; PARAGANGLIOMA, FAMILIAL MALIGNANT; PARAGANGLIOMAS, HEREDITARY EXTRAADRENAL; SDHB-Related Hereditary Paraganglioma-Pheochromocytoma Syndrome; PHEOCHROMOCYTOMA, FAMILIAL EXTRAADRENAL. Identifiers: Orphanet 29072, MedGen C1861848, MONDO:0007273, OMIM 115310.
Gastrointestinal stromal tumor. Also called: Gastrointestinal stroma tumor; Gastrointestinal stromal tumor, somatic. Identifiers: Orphanet 44890, MedGen C0238198, MeSH D046152, MONDO:0011719, OMIM 606764, HP:0100723.

Allele frequency attached by ClinVar (database versions not stated): gnomAD 0.00001.
gnomAD v4.1: 1 of 1,562,824 alleles (0.000064%); highest among the groups gnomAD compares: African/African-American, 0.0014%; no homozygotes.

Submission:

Labcorp Genetics (formerly Invitae), Labcorp
Classification: Uncertain significance for Gastrointestinal stromal tumor; Pheochromocytoma/paraganglioma syndrome 4; Pheochromocytoma. Last evaluated: 2017-07-02. Review status: criteria provided, single submitter. Criteria: Invitae Variant Classification Sherloc (09022015). Collection method: clinical testing. Allele origin: germline.
Comment: In summary, the available evidence is currently insufficient to determine the role of this variant in disease. Therefore, it has been classified as a Variant of Uncertain Significance. Algorithms developed to predict the effect of missense changes on protein structure and function (SIFT, PolyPhen-2, Align-GVGD) all suggest that this variant is likely to be disruptive, but these predictions have not been confirmed by published functional studies and their clinical significance is uncertain. This variant has not been reported in the literature in individuals with SDHB-related disease. This variant is not present in population databases (ExAC no frequency). This sequence change replaces lysine with isoleucine at codon 179 of the SDHB protein (p.Lys179Ile). The lysine residue is highly conserved and there is a moderate physicochemical difference between lysine and isoleucine.